The following is an entry in ClinVar:

ClinVar aggregate classification (germline): Uncertain significance (1 of 4 stars; one submission).

Conditions:
Rubinstein-Taybi syndrome due to EP300 haploinsufficiency. Also called: EP300-Related Rubinstein-Taybi Syndrome; RUBINSTEIN-TAYBI SYNDROME 2. Identifiers: Orphanet 353284, Orphanet 783, MedGen C3150941, MONDO:0013364, OMIM 613684.

Submission:

Daryl Scott Lab, Baylor College of Medicine
Classification: Uncertain significance for Rubinstein-Taybi syndrome due to EP300 haploinsufficiency. Last evaluated: 2025-08-25. Review status: criteria provided, single submitter. Criteria: ACMG Guidelines, 2015. Collection method: clinical testing. Allele origin: paternal. Affected: yes. Observed: 1 heterozygote.
Comment: PM2

NM_001429.4(EP300):c.6798_7000del (p.Gln2267fs)

Gene: EP300 (EP300 lysine acetyltransferase; plus strand). Cytogenetic location: 22q13.2.
Variant type: Deletion.
Coding change: c.6798_7000del on transcript NM_001429.4 (MANE Select); coding-DNA positions 6798 to 7000, 203 bases deleted.
Protein change: p.Gln2267fs; shifts the reading frame from glutamine 2267.
Molecular consequence: frameshift variant.
Genome position (GRCh38, 1-based): chr22:41,178,509-41,178,711, 203 bases deleted. GRCh37 (hg19): chr22:41,574,513-41,574,715.
Other names: c.6720_6922del, p.Gln2241fs (NM_001362843.2); short protein forms Q2241fs, Q2267fs.
Identifiers: ClinVar variation 4533357 (VCV004533357.1).